The following is an entry in ClinVar:

ClinVar aggregate classification (germline): Conflicting classifications of pathogenicity. Review status: criteria provided, conflicting classifications (1 of 4 stars). 4 submissions from 4 submitters: Uncertain significance (3); Likely benign (1). Last evaluated 2025-04-09.

Conditions:
Cardiovascular phenotype. Identifiers: MedGen CN230736.

Allele frequency attached by ClinVar (database versions not stated): gnomAD exomes below 0.00001 and 0.00001; ExAC 0.00001; gnomAD 0.00001; TOPMed 0.00001.
gnomAD v4.1: 21 of 1,613,472 alleles (0.0013%); highest among the groups gnomAD compares: South Asian, 0.0022%; no homozygotes.

Submissions (4):

Molecular Diagnostic Laboratory for Inherited Cardiovascular Disease, Montreal Heart Institute
Classification: Likely benign. Last evaluated: 2025-04-09. Review status: criteria provided, single submitter. Criteria: ACMG Guidelines, 2015. Collection method: clinical testing. Allele origin: germline. Affected: no.
Comment: BP1;BP4

Revvity Omics, Revvity
Classification: Uncertain significance. Last evaluated: 2019-12-16. Review status: criteria provided, single submitter. Criteria: ACMG Guidelines, 2015. Collection method: clinical testing. Allele origin: germline.

Ambry Genetics
Classification: Uncertain significance for Cardiovascular phenotype. Last evaluated: 2016-09-16. Review status: criteria provided, single submitter. Criteria: Ambry Variant Classification Scheme 2023. Collection method: clinical testing. Allele origin: germline.
Comment: The p.I22478V variant (also known as c.67432A>G), located in coding exon 168 of the TTN gene, results from an A to G substitution at nucleotide position 67432. The isoleucine at codon 22478 is replaced by valine, an amino acid with highly similar properties, and is located in the A-band region of the N2-B isoform of the titin protein. This variant was not reported in population based cohorts in the following databases: Database of Single Nucleotide Polymorphisms (dbSNP), NHLBI Exome Sequencing Project (ESP), and 1000 Genomes Project. In the ESP, this variant was not observed in 6329 samples (12658 alleles) with coverage at this position. This amino acid position is not well conserved in available vertebrate species, and valine is the reference amino acid in other vertebrate species. In addition, this alteration is predicted to be tolerated by in silico analysis. Since supporting evidence is limited at this time, the clinical significance of this alteration remains unclear.

GeneDx
Classification: Uncertain significance. Last evaluated: 2013-05-29. Review status: criteria provided, single submitter. Criteria: GeneDx Variant Classification (06012015). Collection method: clinical testing. Allele origin: germline. Affected: yes.
Comment: Missense variants in the TTN gene are considered 'unclassified' if they are not previously reported in the literature and do not have >1% frequency in the population to be considered a polymorphism. Research indicates that truncating mutations in the TTN gene are expected to account for approximately 25% of familial and 18% of sporadic idiopathic DCM; however, truncating variants in the TTN gene have been reported in approximately 3% of reported control alleles. There has been little investigation into non-truncating variants. (Herman D et al. Truncations of titin causing dilated cardiomyopathy. N Eng J Med 366:619-628, 2012) The variant is found in DCM panel(s).

NM_001267550.2(TTN):c.94627A>G (p.Ile31543Val)

Genes: TTN-AS1 (TTN antisense RNA 1; plus strand), TTN (titin; minus strand). Cytogenetic location: 2q31.2.
Variant type: single nucleotide variant.
Coding change: c.94627A>G on transcript NM_001267550.2 (MANE Select); coding-DNA position 94627, A replaced by G.
Protein change: p.Ile31543Val; replaces isoleucine 31543 with valine.
Molecular consequence: missense variant.
Genome position (GRCh38, 1-based): chr2:178,546,801, T>C on the plus strand (A>G on the coding strand, the complement: TTN is on the minus strand). VCF-style: chr2-178546801-T-C. GRCh37 (hg19) VCF-style: chr2-179411528-T-C.
Other names: p.I29902V:ATA>GTA; c.89704A>G, p.Ile29902Val (NM_001256850.1); c.67432A>G, p.Ile22478Val (NM_003319.4); c.86923A>G, p.Ile28975Val (NM_133378.4); c.67807A>G, p.Ile22603Val (NM_133432.3); c.68008A>G, p.Ile22670Val (NM_133437.4); short protein forms I29902V, I31543V, I22478V, I22603V, I22670V, I28975V.
Identifiers: ClinVar variation 203006 (VCV000203006.10), dbSNP rs771491701, ClinGen allele CA310956.